The following is an entry in ClinVar:

NM_152906.7(TANGO2):c.145+5G>A

Gene: TANGO2 (transport and golgi organization 2 homolog; plus strand). Cytogenetic location: 22q11.21.
Variant type: single nucleotide variant.
Coding change: c.145+5G>A on transcript NM_152906.7 (MANE Select); 5 bases into the intron after coding-DNA position 145, G replaced by A.
Molecular consequence: intron variant.
Genome position (GRCh38, 1-based): chr22:20,043,448, G>A. VCF-style: chr22-20043448-G-A. GRCh37 (hg19) VCF-style: chr22-20030971-G-A.
Other names: c.145+5G>A (NM_001283179.3, NM_001283154.3, NM_001322166.2 and 10 more transcripts); c.-35+5G>A (NM_001322172.2, NM_001322160.2, NM_001322146.2 and 9 more transcripts); c.268+5G>A (NM_001322141.2, NM_001283129.3, NM_001322144.2 and 5 more transcripts).
Identifiers: ClinVar variation 1350239 (VCV001350239.4), dbSNP rs2044373884, ClinGen allele CA2396165946.

ClinVar aggregate classification (germline): Uncertain significance (1 of 4 stars; one submission).

Submission:

Labcorp Genetics (formerly Invitae), Labcorp
Classification: Uncertain significance. Last evaluated: 2021-11-08. Review status: criteria provided, single submitter. Criteria: Invitae Variant Classification Sherloc (09022015). Collection method: clinical testing. Allele origin: germline.
Comment: This variant has not been reported in the literature in individuals affected with TANGO2-related conditions. This variant is not present in population databases (gnomAD no frequency). This sequence change falls in intron 3 of the TANGO2 gene. It does not directly change the encoded amino acid sequence of the TANGO2 protein. It affects a nucleotide within the consensus splice site. Variants that disrupt the consensus splice site are a relatively common cause of aberrant splicing (PMID: 17576681, 9536098). Experimental studies and prediction algorithms are not available or were not evaluated, and the effect of this variant on mRNA splicing is currently unknown. In summary, the available evidence is currently insufficient to determine the role of this variant in disease. Therefore, it has been classified as a Variant of Uncertain Significance.

Literature cited by the submitters: PubMed 17576681; PubMed 9536098.